The following is an entry in ClinVar:

NM_002691.4(POLD1):c.3119A>G (p.Glu1040Gly)

Gene: POLD1 (DNA polymerase delta 1, catalytic subunit; plus strand). Cytogenetic location: 19q13.33.
Variant type: single nucleotide variant.
Coding change: c.3119A>G on transcript NM_002691.4 (MANE Select); coding-DNA position 3119, A replaced by G.
Protein change: p.Glu1040Gly; replaces glutamic acid 1040 with glycine.
Molecular consequence: missense variant. On other transcripts: non-coding transcript variant (1).
Genome position (GRCh38, 1-based): chr19:50,417,096, A>G. VCF-style: chr19-50417096-A-G. GRCh37 (hg19) VCF-style: chr19-50920353-A-G.
Other names: NC_000019.9:g.50920353A>G; c.3119A>G (NM_002691.2); c.3119A>G, p.Glu1040Gly (NM_001256849.1, NM_001438212.1, NM_001438213.1); c.3197A>G, p.Glu1066Gly (NM_001308632.1); c.3047A>G, p.Glu1016Gly (NM_001438210.1, NM_001438211.1); short protein forms E1016G, E1040G, E1066G.
Identifiers: ClinVar variation 4443799 (VCV004443799.2).

ClinVar aggregate classification (germline): Uncertain significance (1 of 4 stars; one submission).

Conditions:
Hereditary cancer-predisposing syndrome. Also called: Neoplastic Syndromes, Hereditary; Tumor predisposition; Hereditary Cancer Syndrome; Hereditary neoplastic syndrome. Identifiers: Orphanet 140162, MedGen C0027672, MeSH D009386, MONDO:0015356.

Submissions (2):

Ambry Genetics
Classification: Uncertain significance for Hereditary cancer-predisposing syndrome. Last evaluated: 2025-10-01. Review status: criteria provided, single submitter. Criteria: Ambry Variant Classification Scheme 2023. Collection method: clinical testing. Allele origin: germline.
Comment: The p.E1040G variant (also known as c.3119A>G), located in coding exon 24 of the POLD1 gene, results from an A to G substitution at nucleotide position 3119. The glutamic acid at codon 1040 is replaced by glycine, an amino acid with similar properties. This amino acid position is highly conserved in available vertebrate species. In addition, this alteration is predicted to be tolerated by in silico analysis. The evidence for this gene-disease relationship is limited; therefore, the clinical significance of this alteration is unclear.

Dr. Peter K. Rogan Lab, Western University
No classification provided (evidence only). Condition: Colon adenocarcinoma. Review status: no classification provided. Collection method: in vitro. Allele origin: not applicable. Functional consequence: skipped exon, retained intron. Not counted in ClinVar's aggregate classification.